The following is an entry in ClinVar:

ClinVar aggregate classification (germline): Likely pathogenic (1 of 4 stars; one submission).

Submission:

GeneDx
Classification: Likely pathogenic. Last evaluated: 2025-06-10. Review status: criteria provided, single submitter. Criteria: GeneDx Variant Classification Process June 2021. Collection method: clinical testing. Allele origin: germline. Affected: yes.
Comment: Not observed at significant frequency in large population cohorts (gnomAD); In silico analysis supports that this missense variant has a deleterious effect on protein structure/function; Has not been previously published as pathogenic or benign to our knowledge

NM_017780.4(CHD7):c.3761A>G (p.His1254Arg)

Gene: CHD7 (chromodomain helicase DNA binding protein 7; plus strand). Cytogenetic location: 8q12.2.
Variant type: single nucleotide variant.
Coding change: c.3761A>G on transcript NM_017780.4 (MANE Select); coding-DNA position 3761, A replaced by G.
Protein change: p.His1254Arg; replaces histidine 1254 with arginine.
Molecular consequence: missense variant. On other transcripts: intron variant (1).
Genome position (GRCh38, 1-based): chr8:60,830,560, A>G. VCF-style: chr8-60830560-A-G. GRCh37 (hg19) VCF-style: chr8-61743119-A-G.
Other names: c.1717-31669A>G (NM_001316690.1); short protein forms H1254R.
Identifiers: ClinVar variation 4537911 (VCV004537911.1).